The following is an entry in ClinVar:

ClinVar aggregate classification (germline): Conflicting classifications of pathogenicity. Review status: criteria provided, conflicting classifications (1 of 4 stars). 10 submissions from 9 submitters: Uncertain significance (2); Benign (1); Likely benign (6). 1 of the submissions does not count toward it. Last evaluated 2026-09-01.

Conditions:
Emery-Dreifuss muscular dystrophy 4, autosomal dominant (EDMD4). Also called: EMERY-DREIFUSS MUSCULAR DYSTROPHY 4 WITH VARIABLE FEATURES. Identifiers: Orphanet 261, MedGen C2751807, MONDO:0013071, OMIM 612998.
Autosomal recessive ataxia, Beauce type. Also called: SYNE1-Related Autosomal Recessive Cerebellar Ataxia; SYNE1 Deficiency; ATAXIA, RECESSIVE, OF BEAUCE; Spinocerebellar ataxia, autosomal recessive 8. Identifiers: Orphanet 88644, MedGen C1853116, MONDO:0012549, OMIM 610743.
SYNE1-related disorder. Also called: SYNE1-related disorders; SYNE1-related disease; SYNE1-related condition.

Allele frequency attached by ClinVar (database versions not stated): ESP Exome Variant Server 0.00069; 1000 Genomes Project 30x 0.00031; gnomAD exomes 0.00033 and 0.00041; ExAC 0.00034; 1000 Genomes Project 0.00040; gnomAD 0.00040 and 0.00041; TOPMed 0.00042.
gnomAD v4.1: 661 of 1,614,210 alleles (0.041%); highest among the groups gnomAD compares: Middle Eastern, 0.15%; 1 homozygote.

Submissions (10):

CeGaT Center for Human Genetics Tuebingen
Classification: Likely benign. Last evaluated: 2026-09-01. Review status: criteria provided, single submitter. Criteria: CeGaT Center For Human Genetics Tuebingen Variant Classification Criteria Version 2. Collection method: clinical testing. Allele origin: germline. Affected: yes. Observed: 5 variant alleles.
Comment: SYNE1: BP4, BP7

Labcorp Genetics (formerly Invitae), Labcorp
Classification: Likely benign for Emery-Dreifuss muscular dystrophy 4, autosomal dominant; Autosomal recessive ataxia, Beauce type. Last evaluated: 2025-10-02. Review status: criteria provided, single submitter. Criteria: Invitae Variant Classification Sherloc (09022015). Collection method: clinical testing. Allele origin: germline.

Mayo Clinic Laboratories, Mayo Clinic
Classification: Likely benign. Last evaluated: 2025-09-08. Review status: criteria provided, single submitter. Criteria: ACMG Guidelines, 2015. Collection method: clinical testing. Allele origin: germline. Observed: 3 variant alleles.
Comment: BP4, BP7

Athena Diagnostics
Classification: Likely benign. Last evaluated: 2024-10-18. Review status: criteria provided, single submitter. Criteria: Athena Diagnostics Criteria. Collection method: clinical testing. Allele origin: unknown.

GeneDx
Classification: Likely benign. Last evaluated: 2020-09-11. Review status: criteria provided, single submitter. Criteria: GeneDx Variant Classification Process June 2021. Collection method: clinical testing. Allele origin: germline. Affected: yes.

ARUP Laboratories, Molecular Genetics and Genomics, ARUP Laboratories
Classification: Likely benign. Last evaluated: 2018-06-20. Review status: criteria provided, single submitter. Criteria: ARUP Molecular Germline Variant Investigation Process. Collection method: clinical testing. Allele origin: germline.
Comment: The p.Arg5809Arg variant (rs144418713) does not alter the amino acid sequence of the SYNE1 protein and computational splice site prediction algorithms do not predict a change in the nearest splice site or creation of a cryptic splice site. This variant has not been reported in association with muscular dystrophy in medical literature or in gene specific variation databases. This variant is listed in the Genome Aggregation Database (gnomAD) with an overall population frequency of 0.03 percent (identified on 96 out of 277,230 chromosomes, including 1 homozygote) and has been reported to the ClinVar database (Variation ID: 286817). Based on these observations, the p.Arg5809Arg variant is likely to be benign.

Eurofins Ntd Llc (ga)
Classification: Uncertain significance. Last evaluated: 2018-06-14. Review status: criteria provided, single submitter. Criteria: EGL ClinVar v180209 classification definitions. Collection method: clinical testing. Allele origin: germline. Observed: 11 variant alleles, 11 heterozygotes.

Illumina Laboratory Services, Illumina
Classification: Benign for Emery-Dreifuss muscular dystrophy 4, autosomal dominant. Last evaluated: 2018-01-13. Review status: criteria provided, single submitter. Criteria: ICSL Variant Classification Criteria 13 December 2019. Collection method: clinical testing. Allele origin: germline.
Comment: This variant was observed in the ICSL laboratory as part of a predisposition screen in an ostensibly healthy population. It had not been previously curated by ICSL or reported in the Human Gene Mutation Database (HGMD: prior to June 1st, 2018), and was therefore a candidate for classification through an automated scoring system. Utilizing variant allele frequency, disease prevalence and penetrance estimates, and inheritance mode, an automated score was calculated to assess if this variant is too frequent to cause the disease. Based on the score and internal cut-off values, a variant classified as benign is not then subjected to further curation. The score for this variant resulted in a classification of benign for this disease.

Illumina Laboratory Services, Illumina
Classification: Uncertain significance for Autosomal recessive ataxia, Beauce type. Last evaluated: 2018-01-13. Review status: criteria provided, single submitter. Criteria: ICSL Variant Classification Criteria 13 December 2019. Collection method: clinical testing. Allele origin: germline.

PreventionGenetics, part of Exact Sciences
Classification: Likely benign for SYNE1-related condition. Last evaluated: 2019-06-19. Review status: no assertion criteria provided. Collection method: clinical testing. Allele origin: germline. Not counted in ClinVar's aggregate classification.
Comment: This variant is classified as likely benign based on ACMG/AMP sequence variant interpretation guidelines (Richards et al. 2015 PMID: 25741868, with internal and published modifications).

NM_182961.4(SYNE1):c.17640C>T (p.Arg5880=)

Gene: SYNE1 (spectrin repeat containing nuclear envelope protein 1; minus strand). Cytogenetic location: 6q25.2.
Variant type: single nucleotide variant.
Coding change: c.17640C>T on transcript NM_182961.4 (MANE Select); coding-DNA position 17640, C replaced by T.
Protein change: p.Arg5880=; no amino-acid change (arginine 5880 retained).
Molecular consequence: synonymous variant.
Genome position (GRCh38, 1-based): chr6:152,300,683, G>A on the plus strand (C>T on the coding strand, the complement: SYNE1 is on the minus strand). VCF-style: chr6-152300683-G-A. GRCh37 (hg19) VCF-style: chr6-152621818-G-A.
Other names: p.Arg5809=; c.17427C>T, p.Arg5809= (NM_033071.5).
Identifiers: ClinVar variation 286817 (VCV000286817.73), dbSNP rs144418713, ClinGen allele CA4055173.